The following is an entry in ClinVar:

ClinVar aggregate classification (germline): Uncertain significance (1 of 4 stars; one submission).

Conditions:
Hereditary cancer-predisposing syndrome. Also called: Hereditary Cancer Syndrome; Hereditary neoplastic syndrome; Neoplastic Syndromes, Hereditary; Tumor predisposition. Identifiers: Orphanet 140162, MedGen C0027672, MeSH D009386, MONDO:0015356.

Submission:

Ambry Genetics
Classification: Uncertain significance for Hereditary cancer-predisposing syndrome. Last evaluated: 2025-06-18. Review status: criteria provided, single submitter. Criteria: Ambry Variant Classification Scheme 2023. Collection method: clinical testing. Allele origin: germline.
Comment: The p.P780T variant (also known as c.2338C>A), located in coding exon 15 of the CDH1 gene, results from a C to A substitution at nucleotide position 2338. The proline at codon 780 is replaced by threonine, an amino acid with highly similar properties. This amino acid position is conserved. In addition, the in silico prediction for this alteration is inconclusive. Based on the available evidence, the clinical significance of this variant remains unclear.

NM_004360.5(CDH1):c.2338C>A (p.Pro780Thr)

Gene: CDH1 (cadherin 1; plus strand). Cytogenetic location: 16q22.1.
Variant type: single nucleotide variant.
Coding change: c.2338C>A on transcript NM_004360.5 (MANE Select); coding-DNA position 2338, C replaced by A.
Protein change: p.Pro780Thr; replaces proline 780 with threonine.
Molecular consequence: missense variant.
Genome position (GRCh38, 1-based): chr16:68,829,696, C>A. VCF-style: chr16-68829696-C-A. GRCh37 (hg19) VCF-style: chr16-68863599-C-A.
Other names: c.2155C>A, p.Pro719Thr (NM_001317184.2); c.790C>A, p.Pro264Thr (NM_001317185.2); c.373C>A, p.Pro125Thr (NM_001317186.2); short protein forms P780T, P125T, P719T, P264T.
Identifiers: ClinVar variation 4223595 (VCV004223595.1).